The following is an entry in ClinVar:

ClinVar aggregate classification (germline): Uncertain significance (1 of 4 stars; one submission).

Submission:

Labcorp Genetics (formerly Invitae), Labcorp
Classification: Uncertain significance. Last evaluated: 2022-07-11. Review status: criteria provided, single submitter. Criteria: Invitae Variant Classification Sherloc (09022015). Collection method: clinical testing. Allele origin: germline.
Comment: In summary, the available evidence is currently insufficient to determine the role of this variant in disease. Therefore, it has been classified as a Variant of Uncertain Significance. Algorithms developed to predict the effect of sequence changes on RNA splicing suggest that this variant may disrupt the consensus splice site. Algorithms developed to predict the effect of missense changes on protein structure and function are either unavailable or do not agree on the potential impact of this missense change (SIFT: "Deleterious"; PolyPhen-2: "Benign"; Align-GVGD: "Class C0"). This variant has not been reported in the literature in individuals affected with AP1S2-related conditions. This variant is not present in population databases (gnomAD no frequency). This sequence change replaces glycine, which is neutral and non-polar, with glutamic acid, which is acidic and polar, at codon 155 of the AP1S2 protein (p.Gly155Glu).

NM_001272071.2(AP1S2):c.473G>A (p.Gly158Glu)

Gene: AP1S2 (adaptor related protein complex 1 subunit sigma 2; minus strand). Cytogenetic location: Xp22.2.
Variant type: single nucleotide variant.
Coding change: c.473G>A on transcript NM_001272071.2 (MANE Select); coding-DNA position 473, G replaced by A.
Protein change: p.Gly158Glu; replaces glycine 158 with glutamic acid.
Molecular consequence: missense variant.
Genome position (GRCh38, 1-based): chrX:15,827,335, C>T on the plus strand (G>A on the coding strand, the complement: AP1S2 is on the minus strand). VCF-style: chrX-15827335-C-T. GRCh37 (hg19) VCF-style: chrX-15845458-C-T.
Other names: c.464G>A, p.Gly155Glu (NM_003916.5); short protein forms G155E, G158E.
Identifiers: ClinVar variation 2094629 (VCV002094629.4), dbSNP rs2519873316, ClinGen allele CA412458062.